The following is an entry in ClinVar:

ClinVar aggregate classification (germline): Likely benign (0 of 4 stars; one submission).

Conditions:
SLC22A4-related disorder. Also called: SLC22A4-related condition.

gnomAD v4.1: 14 of 1,613,872 alleles (0.00087%); highest among the groups gnomAD compares: East Asian, 0.025%; no homozygotes.

Submission:

PreventionGenetics, part of Exact Sciences
Classification: Likely benign for SLC22A4-related condition. Last evaluated: 2019-12-09. Review status: no assertion criteria provided. Collection method: clinical testing. Allele origin: germline.
Comment: This variant is classified as likely benign based on ACMG/AMP sequence variant interpretation guidelines (Richards et al. 2015 PMID: 25741868, with internal and published modifications).

NM_003059.3(SLC22A4):c.769C>A (p.Arg257=)

Genes: MIR3936HG (MIR3936 host gene; minus strand), SLC22A4 (solute carrier family 22 member 4; plus strand). Cytogenetic location: 5q31.1.
Variant type: single nucleotide variant.
Coding change: c.769C>A on transcript NM_003059.3 (MANE Select); coding-DNA position 769, C replaced by A.
Protein change: p.Arg257=; no amino-acid change (arginine 257 retained).
Molecular consequence: synonymous variant.
Genome position (GRCh38, 1-based): chr5:132,322,300, C>A. VCF-style: chr5-132322300-C-A. GRCh37 (hg19) VCF-style: chr5-131657993-C-A.
Identifiers: ClinVar variation 3048998 (VCV003048998.2), dbSNP rs768533971, ClinGen allele CA3403504.
Genomic context (GRCh38, chr5:132,322,300, plus strand): 5'-ACATTTTTTGCAGTTGGCTATATGCTGCTGCCACTGTTTGCTTACTTCATCAGAGACTGG[C>A]GGATGCTGCTGCTGGCGCTGACGGTGCCGGGAGTGCTGTGTGTCCCGCTGTGGTGGTGAG-3'
Protein context (NP_003050.2, residues 247-267): PLFAYFIRDW[Arg257=]MLLLALTVPG